The following is an entry in ClinVar:

ClinVar aggregate classification (germline): Uncertain significance (1 of 4 stars; one submission).

Conditions:
Aortic aneurysm, familial thoracic 8 (AAT8). Identifiers: MedGen C3809513, MONDO:0014187, OMIM 615436.

gnomAD v4.1: 2 of 1,612,738 alleles (0.00012%); highest among the groups gnomAD compares: Non-Finnish European, 0.000085%; no homozygotes.

Submission:

Labcorp Genetics (formerly Invitae), Labcorp
Classification: Uncertain significance for Aortic aneurysm, familial thoracic 8. Last evaluated: 2023-07-25. Review status: criteria provided, single submitter. Criteria: Invitae Variant Classification Sherloc (09022015). Collection method: clinical testing. Allele origin: germline.
Comment: In summary, the available evidence is currently insufficient to determine the role of this variant in disease. Therefore, it has been classified as a Variant of Uncertain Significance. An algorithm developed to predict the effect of missense changes on protein structure and function (PolyPhen-2) suggests that this variant is likely to be tolerated. This variant has not been reported in the literature in individuals affected with PRKG1-related conditions. This variant is not present in population databases (gnomAD no frequency). This sequence change replaces glycine, which is neutral and non-polar, with serine, which is neutral and polar, at codon 176 of the PRKG1 protein (p.Gly176Ser).

NM_006258.4(PRKG1):c.526G>A (p.Gly176Ser)

Gene: PRKG1 (protein kinase cGMP-dependent 1; plus strand). Cytogenetic location: 10q21.1.
Variant type: single nucleotide variant.
Coding change: c.526G>A on transcript NM_006258.4 (MANE Select); coding-DNA position 526, G replaced by A.
Protein change: p.Gly176Ser; replaces glycine 176 with serine.
Molecular consequence: missense variant.
Genome position (GRCh38, 1-based): chr10:51,467,770, G>A. VCF-style: chr10-51467770-G-A. GRCh37 (hg19) VCF-style: chr10-53227530-G-A.
Other names: c.481G>A, p.Gly161Ser (NM_001098512.3); c.526G>A, p.Gly176Ser (NM_001374782.1); short protein forms G161S, G176S.
Identifiers: ClinVar variation 2739933 (VCV002739933.3), dbSNP rs2492845706, ClinGen allele CA376529143.